The following is an entry in ClinVar:

NM_000747.3(CHRNB1):c.1322G>A (p.Ser441Asn)

Gene: CHRNB1 (cholinergic receptor nicotinic beta 1 subunit; plus strand). Cytogenetic location: 17p13.1.
Variant type: single nucleotide variant.
Coding change: c.1322G>A on transcript NM_000747.3 (MANE Select); coding-DNA position 1322, G replaced by A.
Protein change: p.Ser441Asn; replaces serine 441 with asparagine.
Molecular consequence: missense variant.
Genome position (GRCh38, 1-based): chr17:7,455,898, G>A. VCF-style: chr17-7455898-G-A. GRCh37 (hg19) VCF-style: chr17-7359217-G-A.
Other names: short protein forms S441N.
Identifiers: ClinVar variation 2780610 (VCV002780610.3), dbSNP rs2507874518, ClinGen allele CA397802676.

ClinVar aggregate classification (germline): Uncertain significance (1 of 4 stars; one submission).

Conditions:
Congenital myasthenic syndrome 2A. Also called: Myasthenic syndrome, congenital, 2a, slow-channel. Identifiers: Orphanet 590, MedGen C4225374, MONDO:0014581, OMIM 616313.

Submission:

Labcorp Genetics (formerly Invitae), Labcorp
Classification: Uncertain significance for Congenital myasthenic syndrome 2A. Last evaluated: 2023-09-22. Review status: criteria provided, single submitter. Criteria: Invitae Variant Classification Sherloc (09022015). Collection method: clinical testing. Allele origin: germline.
Comment: This sequence change replaces serine, which is neutral and polar, with asparagine, which is neutral and polar, at codon 441 of the CHRNB1 protein (p.Ser441Asn). In summary, the available evidence is currently insufficient to determine the role of this variant in disease. Therefore, it has been classified as a Variant of Uncertain Significance. Advanced modeling of protein sequence and biophysical properties (such as structural, functional, and spatial information, amino acid conservation, physicochemical variation, residue mobility, and thermodynamic stability) performed at Invitae indicates that this missense variant is not expected to disrupt CHRNB1 protein function. This variant has not been reported in the literature in individuals affected with CHRNB1-related conditions. This variant is not present in population databases (gnomAD no frequency).